The following is an entry in ClinVar:

NM_005006.7(NDUFS1):c.*336G>T

Gene: NDUFS1 (NADH:ubiquinone oxidoreductase core subunit S1; minus strand). Cytogenetic location: 2q33.3.
Variant type: single nucleotide variant.
Coding change: c.*336G>T on transcript NM_005006.7 (MANE Select); 336 bases downstream of the stop codon, G replaced by T.
Molecular consequence: 3 prime UTR variant.
Genome position (GRCh38, 1-based): chr2:206,123,849, C>A on the plus strand (G>T on the coding strand, the complement: NDUFS1 is on the minus strand). VCF-style: chr2-206123849-C-A. GRCh37 (hg19) VCF-style: chr2-206988573-C-A.
Other names: c.*336G>T (NM_001199981.2, NM_001199982.2, NM_001199983.2 and 1 more transcripts).
Identifiers: ClinVar variation 333774 (VCV000333774.9), dbSNP rs1044120, ClinGen allele CA10612578.

ClinVar aggregate classification (germline): Benign. Review status: criteria provided, multiple submitters, no conflicts (2 of 4 stars). 4 submissions from 3 submitters: Benign (4). Last evaluated 2021-05-13.

Conditions:
Leigh syndrome (NULS). Also called: Leigh's syndrome; Leigh Syndrome (mtDNA deletion); Leigh Disease; Leigh's necrotizing encephalopathy; Leigh's disease; Subacute necrotizing encephalopathy. Identifiers: Orphanet 506, MedGen C2931891, MONDO:0009723, OMIM 256000.
Mitochondrial complex I deficiency, nuclear type 1. Also called: NADH-COENZYME Q REDUCTASE DEFICIENCY; MITOCHONDRIAL NADH DEHYDROGENASE COMPONENT OF COMPLEX I, DEFICIENCY OF. Identifiers: MedGen C6022305, MONDO:0100224, OMIM 252010.

Allele frequency attached by ClinVar (database versions not stated): gnomAD exomes 0.41928; 1000 Genomes Project 0.47724; 1000 Genomes Project 30x 0.49235; gnomAD 0.51899 and 0.52989; TOPMed 0.52217.
gnomAD v4.1: 101,080 of 205,206 alleles (49%); highest among the groups gnomAD compares: African/African-American, 73%; 27,059 homozygotes.

Submissions (4):

GeneDx
Classification: Benign. Last evaluated: 2021-05-13. Review status: criteria provided, single submitter. Criteria: GeneDx Variant Classification Process June 2021. Collection method: clinical testing. Allele origin: germline. Affected: yes.

Illumina Laboratory Services, Illumina
Classification: Benign for Mitochondrial complex I deficiency, nuclear type 1. Last evaluated: 2018-01-12. Review status: criteria provided, single submitter. Criteria: ICSL Variant Classification Criteria 13 December 2019. Collection method: clinical testing. Allele origin: germline.
Comment: This variant was observed in the ICSL laboratory as part of a predisposition screen in an ostensibly healthy population. It had not been previously curated by ICSL or reported in the Human Gene Mutation Database (HGMD: prior to June 1st, 2018), and was therefore a candidate for classification through an automated scoring system. Utilizing variant allele frequency, disease prevalence and penetrance estimates, and inheritance mode, an automated score was calculated to assess if this variant is too frequent to cause the disease. Based on the score and internal cut-off values, a variant classified as benign is not then subjected to further curation. The score for this variant resulted in a classification of benign for this disease.

Illumina Laboratory Services, Illumina
Classification: Benign for Leigh syndrome. Last evaluated: 2018-01-12. Review status: criteria provided, single submitter. Criteria: ICSL Variant Classification Criteria 13 December 2019. Collection method: clinical testing. Allele origin: germline.
Comment: the same text as in the submission from Illumina Laboratory Services, Illumina above.

Breakthrough Genomics
Classification: Benign. Review status: criteria provided, single submitter. Criteria: ACMG Guidelines, 2015. Collection method: not provided. Allele origin: germline. Inheritance: Autosomal recessive inheritance. Affected: yes.